The following is an entry in ClinVar:

ClinVar aggregate classification (germline): Likely benign (0 of 4 stars; one submission).

Conditions:
FAT3-related disorder. Also called: FAT3-related condition.

Allele frequency attached by ClinVar (database versions not stated): ESP Exome Variant Server 0.00049; gnomAD 0.00074; TOPMed 0.00088; gnomAD exomes 0.00090; ExAC 0.00175; 1000 Genomes Project 0.00200; 1000 Genomes Project 30x 0.00203.
gnomAD v4.1: 1,437 of 1,613,840 alleles (0.089%); highest among the groups gnomAD compares: South Asian, 0.53%; 9 homozygotes.

Submission:

PreventionGenetics, part of Exact Sciences
Classification: Likely benign for FAT3-related condition. Last evaluated: 2019-06-28. Review status: no assertion criteria provided. Collection method: clinical testing. Allele origin: germline.
Comment: This variant is classified as likely benign based on ACMG/AMP sequence variant interpretation guidelines (Richards et al. 2015 PMID: 25741868, with internal and published modifications).

NM_001367949.2(FAT3):c.4700C>G (p.Thr1567Ser)

Gene: FAT3 (FAT atypical cadherin 3; plus strand). Cytogenetic location: 11q14.3.
Variant type: single nucleotide variant.
Coding change: c.4700C>G on transcript NM_001367949.2 (MANE Select); coding-DNA position 4700, C replaced by G.
Protein change: p.Thr1567Ser; replaces threonine 1567 with serine.
Molecular consequence: missense variant.
Genome position (GRCh38, 1-based): chr11:92,792,855, C>G. VCF-style: chr11-92792855-C-G. GRCh37 (hg19) VCF-style: chr11-92526021-C-G.
Other names: c.4700C>G, p.Thr1567Ser (NM_001008781.3); short protein forms T1567S.
Identifiers: ClinVar variation 3042739 (VCV003042739.2), dbSNP rs192482905, ClinGen allele CA6226995.